The following is an entry in ClinVar:

ClinVar aggregate classification (germline): Likely benign (1 of 4 stars; one submission).

gnomAD v4.1: 2 of 1,613,502 alleles (0.00012%); highest among the groups gnomAD compares: Admixed American, 0.0033%; no homozygotes.

Submission:

CeGaT Center for Human Genetics Tuebingen
Classification: Likely benign. Last evaluated: 2026-08-01. Review status: criteria provided, single submitter. Criteria: CeGaT Center For Human Genetics Tuebingen Variant Classification Criteria Version 2. Collection method: clinical testing. Allele origin: germline. Affected: yes. Observed: 1 variant allele.
Comment: SZT2: BP4, BP7

NM_001365999.1(SZT2):c.7515C>T (p.Arg2505=)

Gene: SZT2 (SZT2 subunit of KICSTOR complex; plus strand). Cytogenetic location: 1p34.2.
Variant type: single nucleotide variant.
Coding change: c.7515C>T on transcript NM_001365999.1 (MANE Select); coding-DNA position 7515, C replaced by T.
Protein change: p.Arg2505=; no amino-acid change (arginine 2505 retained).
Molecular consequence: synonymous variant.
Genome position (GRCh38, 1-based): chr1:43,441,507, C>T. VCF-style: chr1-43441507-C-T. GRCh37 (hg19) VCF-style: chr1-43907178-C-T.
Other names: c.7344C>T, p.Arg2448= (NM_015284.4).
Identifiers: ClinVar variation 5041897 (VCV005041897.1).